The following is an entry in ClinVar:

ClinVar aggregate classification (germline): Uncertain significance (1 of 4 stars; one submission).

Conditions:
Positive thumb sign. Identifiers: MedGen C5936532.
Tall stature. Identifiers: MedGen C0241240, HP:0000098.
Pectus excavatum. Also called: funnel chest. Identifiers: MedGen C2051831, MONDO:0008213, OMIM 169300, HP:0000767.

Submission:

Clinical Genetics Laboratory, Skane University Hospital Lund
Classification: Uncertain significance for Tall stature; Positive thumb sign; Pectus excavatum. Last evaluated: 2025-07-07. Review status: criteria provided, single submitter. Criteria: ACMG Guidelines, 2015. Collection method: clinical testing. Allele origin: germline. Affected: yes.
Comment: ACMG criteria used: PM2

NM_000138.5(FBN1):c.2162G>A (p.Gly721Asp)

Gene: FBN1 (fibrillin 1; minus strand). Cytogenetic location: 15q21.1.
Variant type: single nucleotide variant.
Coding change: c.2162G>A on transcript NM_000138.5 (MANE Select); coding-DNA position 2162, G replaced by A.
Protein change: p.Gly721Asp; replaces glycine 721 with aspartic acid.
Molecular consequence: missense variant.
Genome position (GRCh38, 1-based): chr15:48,498,990, C>T on the plus strand (G>A on the coding strand, the complement: FBN1 is on the minus strand). VCF-style: chr15-48498990-C-T. GRCh37 (hg19) VCF-style: chr15-48791187-C-T.
Other names: c.2162G>A, p.Gly721Asp (NM_001406716.1); short protein forms G721D.
Identifiers: ClinVar variation 3911909 (VCV003911909.1).